The following is an entry in ClinVar:

ClinVar aggregate classification (germline): Conflicting classifications of pathogenicity. Review status: criteria provided, conflicting classifications (1 of 4 stars). 2 submissions from 2 submitters: Uncertain significance (1); Likely benign (1). Last evaluated 2023-06-26.

Conditions:
Wilson disease (WND). Also called: Wilson's disease. Identifiers: Orphanet 905, MedGen C0019202, MONDO:0010200, OMIM 277900. Disease mechanism: loss of function.

Allele frequency attached by ClinVar (database versions not stated): gnomAD exomes below 0.00001 and 0.00002; gnomAD 0.00001 and 0.00002; TOPMed 0.00001; ExAC 0.00002; 1000 Genomes Project 30x 0.00016; 1000 Genomes Project 0.00020.
gnomAD v4.1: 8 of 1,610,448 alleles (0.0005%); highest among the groups gnomAD compares: African/African-American, 0.011%; no homozygotes.

Submissions (2):

All of Us Research Program, National Institutes of Health
Classification: Likely benign for Wilson disease. Last evaluated: 2023-06-26. Review status: criteria provided, single submitter. Criteria: ACMG Guidelines, 2015. Collection method: clinical testing. Allele origin: germline. Inheritance: Autosomal recessive inheritance. Observed: 1 variant allele, 1 heterozygote.
Comment: This study involves interpretation of variants in research participants for the purpose of population health screening. Participant phenotype was not available at the time of variant classification. Additional details can be found in publication PMID: 35346344, PMCID: PMC8962531

Labcorp Genetics (formerly Invitae), Labcorp
Classification: Uncertain significance for Wilson disease. Last evaluated: 2021-09-16. Review status: criteria provided, single submitter. Criteria: Invitae Variant Classification Sherloc (09022015). Collection method: clinical testing. Allele origin: germline.
Comment: This sequence change falls in intron 19 of the ATP7B gene. It does not directly change the encoded amino acid sequence of the ATP7B protein, but it affects a nucleotide within the consensus splice site of the intron. This variant is present in population databases (rs531487054, ExAC 0.03%). This variant has not been reported in the literature in individuals with ATP7B-related conditions. Nucleotide substitutions within the consensus splice site are a relatively common cause of aberrant splicing (PMID: 17576681, 9536098). Algorithms developed to predict the effect of sequence changes on RNA splicing suggest that this variant is not likely to affect RNA splicing, but this prediction has not been confirmed by published transcriptional studies. In summary, the available evidence is currently insufficient to determine the role of this variant in disease. Therefore, it has been classified as a Variant of Uncertain Significance.

Literature cited by the submitters: PubMed 17576681 (cited by Labcorp Genetics (formerly Invitae), Labcorp); PubMed 9536098 (cited by Labcorp Genetics (formerly Invitae), Labcorp).

NM_000053.4(ATP7B):c.4022-3C>T

Gene: ATP7B (ATPase copper transporting beta; minus strand). Cytogenetic location: 13q14.3.
Variant type: single nucleotide variant.
Coding change: c.4022-3C>T on transcript NM_000053.4 (MANE Select); 3 bases into the intron before coding-DNA position 4022, C replaced by T.
Molecular consequence: intron variant.
Genome position (GRCh38, 1-based): chr13:51,935,698, G>A on the plus strand (C>T on the coding strand, the complement: ATP7B is on the minus strand). VCF-style: chr13-51935698-G-A. GRCh37 (hg19) VCF-style: chr13-52509834-G-A.
Other names: c.3689-3C>T (NM_001243182.2); c.3401-3C>T (NM_001005918.3); c.3770-3C>T (NM_001330579.2); c.3788-3C>T (NM_001330578.2).
Identifiers: ClinVar variation 1395731 (VCV001395731.6), dbSNP rs531487054, ClinGen allele CA6988505.